The following is an entry in ClinVar:

NM_001048174.2(MUTYH):c.1528T>A (p.Ser510Thr)

Gene: MUTYH (mutY DNA glycosylase; minus strand). Cytogenetic location: 1p34.1.
Variant type: single nucleotide variant.
Coding change: c.1528T>A on transcript NM_001048174.2 (MANE Select); coding-DNA position 1528, T replaced by A.
Protein change: p.Ser510Thr; replaces serine 510 with threonine.
Molecular consequence: missense variant. On other transcripts: non-coding transcript variant (7).
Genome position (GRCh38, 1-based): chr1:45,329,344, A>T on the plus strand (T>A on the coding strand, the complement: MUTYH is on the minus strand). VCF-style: chr1-45329344-A-T. GRCh37 (hg19) VCF-style: chr1-45795016-A-T.
Other names: c.1528T>A, p.Ser510Thr (NM_001293195.2, NM_001407070.1, NM_001407072.1 and 6 more transcripts); c.1252T>A, p.Ser418Thr (NM_001293196.2, NM_001407091.1, NM_001293192.2); c.1183T>A, p.Ser395Thr (NM_001350650.2, NM_001350651.2, NM_001407082.1); c.1561T>A, p.Ser521Thr (NM_001407069.1, NM_001293191.2, NM_001407077.1); c.1531T>A, p.Ser511Thr (NM_001407071.1, NM_001048172.2, NM_001407078.1 and 1 more transcripts); c.1444T>A, p.Ser482Thr (NM_001407075.1); c.1549T>A, p.Ser517Thr (NM_001407087.1); c.1603T>A, p.Ser535Thr (NM_012222.3); and 5 more; short protein forms S418T, S482T, S510T, S511T, S395T, S497T, S517T, S524T.
Identifiers: ClinVar variation 4113441 (VCV004113441.1).

ClinVar aggregate classification (germline): Uncertain significance (1 of 4 stars; one submission).

Conditions:
Hereditary cancer-predisposing syndrome. Also called: Hereditary neoplastic syndrome; Neoplastic Syndromes, Hereditary; Tumor predisposition; Hereditary Cancer Syndrome. Identifiers: Orphanet 140162, MedGen C0027672, MeSH D009386, MONDO:0015356.

Submission:

Ambry Genetics
Classification: Uncertain significance for Hereditary cancer-predisposing syndrome. Last evaluated: 2025-08-27. Review status: criteria provided, single submitter. Criteria: Ambry Variant Classification Scheme 2023. Collection method: clinical testing. Allele origin: germline.
Comment: The p.S538T variant (also known as c.1612T>A), located in coding exon 16 of the MUTYH gene, results from a T to A substitution at nucleotide position 1612. The serine at codon 538 is replaced by threonine, an amino acid with similar properties. This amino acid position is conserved. In addition, this alteration is predicted to be tolerated by in silico analysis. Based on the available evidence, the clinical significance of this variant remains unclear.